The following is an entry in ClinVar:

NM_001267550.2(TTN):c.105863T>G (p.Ile35288Ser)

Genes: TTN (titin; minus strand), TTN-AS1 (TTN antisense RNA 1; plus strand), LOC129935183 (ATAC-STARR-seq lymphoblastoid active region 16808; plus strand). Cytogenetic location: 2q31.2.
Variant type: single nucleotide variant.
Coding change: c.105863T>G on transcript NM_001267550.2 (MANE Select); coding-DNA position 105863, T replaced by G.
Protein change: p.Ile35288Ser; replaces isoleucine 35288 with serine.
Molecular consequence: missense variant.
Genome position (GRCh38, 1-based): chr2:178,530,752, A>C on the plus strand (T>G on the coding strand, the complement: TTN is on the minus strand). VCF-style: chr2-178530752-A-C. GRCh37 (hg19) VCF-style: chr2-179395479-A-C.
Other names: c.100940T>G, p.Ile33647Ser (NM_001256850.1); c.78668T>G, p.Ile26223Ser (NM_003319.4); c.98159T>G, p.Ile32720Ser (NM_133378.4); c.79043T>G, p.Ile26348Ser (NM_133432.3); c.79244T>G, p.Ile26415Ser (NM_133437.4); short protein forms I26223S, I26348S, I26415S, I32720S, I33647S, I35288S.
Identifiers: ClinVar variation 1008808 (VCV001008808.7), dbSNP rs764713884, ClinGen allele CA349407586.
Genomic context (GRCh38, chr2:178,530,752, plus strand): 5'-TCAACCACACAGGTCAGTTTTGCAATCTCTTTAGAAGCTTCTGCTTTCAGGAACTGAGTA[A>C]TCTTTGGTGGGGCAGAGACTGGGAGGTGCTGAACTTTCTCTGTTGGTGTTGGTTTTGTCT-3'
Protein context (NP_001254479.2, residues 35278-35298): QHLPVSAPPK[Ile35288Ser]TQFLKAEASK

ClinVar aggregate classification (germline): Uncertain significance (1 of 4 stars; one submission).

Conditions:
Dilated cardiomyopathy 1G (CMD1G). Identifiers: Orphanet 154, MedGen C1858763, MONDO:0011400, OMIM 604145.
Autosomal recessive limb-girdle muscular dystrophy type 2J (LGMDR10). Also called: Limb-girdle muscular dystrophy, type 2J; MUSCULAR DYSTROPHY, LIMB-GIRDLE, AUTOSOMAL RECESSIVE 10. Identifiers: Orphanet 140922, MedGen C1837342, MONDO:0012127, OMIM 608807.

Submission:

Labcorp Genetics (formerly Invitae), Labcorp
Classification: Uncertain significance for Dilated cardiomyopathy 1G; Autosomal recessive limb-girdle muscular dystrophy type 2J. Last evaluated: 2020-06-15. Review status: criteria provided, single submitter. Criteria: Invitae Variant Classification Sherloc (09022015). Collection method: clinical testing. Allele origin: germline.
Comment: This variant is located in the M band of TTN (PMID: 25589632). Variants in this region may be relevant for neuromuscular disorders, but have not been definitively shown to cause cardiomyopathy (PMID: 23975875). This sequence change replaces isoleucine with serine at codon 35288 of the TTN protein (p.Ile35288Ser). There is a large physicochemical difference between isoleucine and serine. This variant is not present in population databases (ExAC no frequency). This variant has not been reported in the literature in individuals with TTN-related conditions. In summary, the available evidence is currently insufficient to determine the role of this variant in disease. Therefore, it has been classified as a Variant of Uncertain Significance. Algorithms developed to predict the effect of missense changes on protein structure and function are unavailable for the TTN gene.

Literature cited by the submitters: PubMed 25589632; PubMed 23975875.